The following is an entry in ClinVar:

ClinVar aggregate classification (germline): Likely benign. Review status: criteria provided, single submitter (1 of 4 stars). 2 submissions from 2 submitters: Likely benign (1). 1 of the submissions does not count toward it. Last evaluated 2026-01-13.

Conditions:
ZAP70-related disorder. Also called: ZAP70-related condition.
Combined immunodeficiency due to ZAP70 deficiency (IMD48). Also called: ZAP70 Deficiency; Immunodeficiency 48. Identifiers: Orphanet 911, MedGen C2931299, MONDO:0010023, OMIM 269840.

Allele frequency attached by ClinVar (database versions not stated): ExAC 0.00007; TOPMed 0.00018; gnomAD exomes 0.00008.
gnomAD v4.1: 79 of 1,614,066 alleles (0.0049%); highest among the groups gnomAD compares: African/African-American, 0.021%; 1 homozygote.

Submissions (2):

Labcorp Genetics (formerly Invitae), Labcorp
Classification: Likely benign for Combined immunodeficiency due to ZAP70 deficiency. Last evaluated: 2026-01-13. Review status: criteria provided, single submitter. Criteria: Invitae Variant Classification Sherloc (09022015). Collection method: clinical testing. Allele origin: germline.

PreventionGenetics, part of Exact Sciences
Classification: Likely benign for ZAP70-related condition. Last evaluated: 2024-02-15. Review status: no assertion criteria provided. Collection method: clinical testing. Allele origin: germline. Not counted in ClinVar's aggregate classification.
Comment: This variant is classified as likely benign based on ACMG/AMP sequence variant interpretation guidelines (Richards et al. 2015 PMID: 25741868, with internal and published modifications).

NM_001079.4(ZAP70):c.1623+8C>T

Gene: ZAP70 (zeta chain of T cell receptor associated protein kinase 70; plus strand). Cytogenetic location: 2q11.2.
Variant type: single nucleotide variant.
Coding change: c.1623+8C>T on transcript NM_001079.4 (MANE Select); 8 bases into the intron after coding-DNA position 1623, C replaced by T.
Molecular consequence: intron variant.
Genome position (GRCh38, 1-based): chr2:97,737,905, C>T. VCF-style: chr2-97737905-C-T. GRCh37 (hg19) VCF-style: chr2-98354368-C-T.
Other names: c.1623+8C>T (NM_001378594.1); c.702+8C>T (NM_207519.2).
Identifiers: ClinVar variation 792266 (VCV000792266.12), dbSNP rs762526632, ClinGen allele CA1790508.